The following is an entry in ClinVar:

NM_002936.6(RNASEH1):c.72G>T (p.Gly24=)

Genes: RNASEH1 (ribonuclease H1; minus strand), LOC129933002 (ATAC-STARR-seq lymphoblastoid active region 15231; plus strand). Cytogenetic location: 2p25.3.
Variant type: single nucleotide variant.
Coding change: c.72G>T on transcript NM_002936.6 (MANE Select); coding-DNA position 72, G replaced by T.
Protein change: p.Gly24=; no amino-acid change (glycine 24 retained).
Molecular consequence: synonymous variant. On other transcripts: 5 prime UTR variant (2), non-coding transcript variant (7).
Genome position (GRCh38, 1-based): chr2:3,558,189, C>A on the plus strand (G>T on the coding strand, the complement: RNASEH1 is on the minus strand). VCF-style: chr2-3558189-C-A. GRCh37 (hg19) VCF-style: chr2-3605779-C-A.
Other names: p.Gly24=; c.-7G>T (NM_001286834.3); c.-518G>T (NM_001286837.3); c.72G>T, p.Gly24= (NM_001378271.1, NM_001378272.1, NM_001378273.1); c.72G>T (NM_002936.5).
Identifiers: ClinVar variation 2071909 (VCV002071909.5), dbSNP rs559245804, ClinGen allele CA1516448.

ClinVar aggregate classification (germline): Likely benign. Review status: criteria provided, multiple submitters, no conflicts (2 of 4 stars). 2 submissions from 2 submitters: Likely benign (2). Last evaluated 2025-07-05.

Allele frequency attached by ClinVar (database versions not stated): gnomAD 0.00005; ExAC 0.00006; gnomAD exomes 0.00006; TOPMed 0.00006; 1000 Genomes Project 30x 0.00031; 1000 Genomes Project 0.00040.
gnomAD v4.1: 92 of 1,602,228 alleles (0.0057%); highest among the groups gnomAD compares: Admixed American, 0.015%; 1 homozygote.

Submissions (2):

Labcorp Genetics (formerly Invitae), Labcorp
Classification: Likely benign. Last evaluated: 2025-07-05. Review status: criteria provided, single submitter. Criteria: Invitae Variant Classification Sherloc (09022015). Collection method: clinical testing. Allele origin: germline.

Mayo Clinic Laboratories, Mayo Clinic
Classification: Likely benign. Last evaluated: 2025-03-18. Review status: criteria provided, single submitter. Criteria: ACMG Guidelines, 2015. Collection method: clinical testing. Allele origin: germline. Observed: 1 variant allele.
Comment: BP4, BP7